The following is an entry in ClinVar:

NM_000179.3(MSH6):c.3884C>G (p.Pro1295Arg)

Gene: MSH6 (mutS homolog 6; plus strand). Cytogenetic location: 2p16.3.
Variant type: single nucleotide variant.
Coding change: c.3884C>G on transcript NM_000179.3 (MANE Select); coding-DNA position 3884, C replaced by G.
Protein change: p.Pro1295Arg; replaces proline 1295 with arginine.
Molecular consequence: missense variant.
Genome position (GRCh38, 1-based): chr2:47,806,534, C>G. VCF-style: chr2-47806534-C-G. GRCh37 (hg19) VCF-style: chr2-48033673-C-G.
Other names: c.3494C>G, p.Pro1165Arg (NM_001281492.2); c.2978C>G, p.Pro993Arg (NM_001281493.2, NM_001281494.2); short protein forms P1295R, P993R, P1165R.
Identifiers: ClinVar variation 483878 (VCV000483878.14), dbSNP rs758181932, ClinGen allele CA346761385.

ClinVar aggregate classification (germline): Uncertain significance. Review status: criteria provided, multiple submitters, no conflicts (2 of 4 stars). 3 submissions from 3 submitters: Uncertain significance (3). Last evaluated 2025-02-25.

Conditions:
Hereditary cancer-predisposing syndrome. Also called: Neoplastic Syndromes, Hereditary; Tumor predisposition; Hereditary Cancer Syndrome; Hereditary neoplastic syndrome. Identifiers: Orphanet 140162, MedGen C0027672, MeSH D009386, MONDO:0015356.
Hereditary nonpolyposis colorectal neoplasms. Identifiers: MedGen C0009405, MeSH D003123.

Allele frequency attached by ClinVar (database versions not stated): gnomAD 0.00001.
gnomAD v4.1: 1 of 1,613,734 alleles (0.000062%); highest among the groups gnomAD compares: African/African-American, 0.0013%; no homozygotes.

Submissions (3):

Labcorp Genetics (formerly Invitae), Labcorp
Classification: Uncertain significance for Hereditary nonpolyposis colorectal neoplasms. Last evaluated: 2025-02-25. Review status: criteria provided, single submitter. Criteria: Invitae Variant Classification Sherloc (09022015). Collection method: clinical testing. Allele origin: germline.
Comment: This sequence change replaces proline, which is neutral and non-polar, with arginine, which is basic and polar, at codon 1295 of the MSH6 protein (p.Pro1295Arg). This variant is not present in population databases (gnomAD no frequency). This variant has not been reported in the literature in individuals affected with MSH6-related conditions. ClinVar contains an entry for this variant (Variation ID: 483878). Invitae Evidence Modeling of protein sequence and biophysical properties (such as structural, functional, and spatial information, amino acid conservation, physicochemical variation, residue mobility, and thermodynamic stability) has been performed for this missense variant. However, the output from this modeling did not meet the statistical confidence thresholds required to predict the impact of this variant on MSH6 protein function. In summary, the available evidence is currently insufficient to determine the role of this variant in disease. Therefore, it has been classified as a Variant of Uncertain Significance.

GeneDx
Classification: Uncertain significance. Last evaluated: 2023-07-16. Review status: criteria provided, single submitter. Criteria: GeneDx Variant Classification Process June 2021. Collection method: clinical testing. Allele origin: germline. Affected: yes.
Comment: Not observed at significant frequency in large population cohorts (gnomAD); In silico analysis supports that this missense variant has a deleterious effect on protein structure/function; Has not been previously published as pathogenic or benign to our knowledge; This variant is associated with the following publications: (PMID: 30202019, 17531815, 21120944)

Ambry Genetics
Classification: Uncertain significance for Hereditary cancer-predisposing syndrome. Last evaluated: 2017-07-25. Review status: criteria provided, single submitter. Criteria: Ambry Variant Classification Scheme 2023. Collection method: clinical testing. Allele origin: germline.
Comment: The p.P1295R variant (also known as c.3884C>G), located in coding exon 9 of the MSH6 gene, results from a C to G substitution at nucleotide position 3884. The proline at codon 1295 is replaced by arginine, an amino acid with dissimilar properties. This amino acid position is highly conserved in available vertebrate species. In addition, this alteration is predicted to be deleterious by in silico analysis. Since supporting evidence is limited at this time, the clinical significance of this alteration remains unclear.